The following is an entry in ClinVar:

ClinVar aggregate classification (germline): Uncertain significance. Review status: criteria provided, multiple submitters, no conflicts (2 of 4 stars). 2 submissions from 2 submitters: Uncertain significance (2). Last evaluated 2024-05-01.

Conditions:
Cystic fibrosis (CF). Also called: MUCOVISCIDOSIS. Identifiers: Orphanet 586, MedGen C0010674, MONDO:0009061, OMIM 219700. Disease mechanism: loss of function.

Allele frequency attached by ClinVar (database versions not stated): gnomAD 0.00001; gnomAD exomes below 0.00001; TOPMed 0.00001.
gnomAD v4.1: 3 of 1,611,998 alleles (0.00019%); highest among the groups gnomAD compares: African/African-American, 0.004%; no homozygotes.

Submissions (2):

Labcorp Genetics (formerly Invitae), Labcorp
Classification: Uncertain significance for Cystic fibrosis. Last evaluated: 2024-05-01. Review status: criteria provided, single submitter. Criteria: Invitae Variant Classification Sherloc (09022015). Collection method: clinical testing. Allele origin: germline.
Comment: This sequence change replaces threonine, which is neutral and polar, with asparagine, which is neutral and polar, at codon 1134 of the CFTR protein (p.Thr1134Asn). This variant is not present in population databases (gnomAD no frequency). This variant has not been reported in the literature in individuals affected with CFTR-related conditions. ClinVar contains an entry for this variant (Variation ID: 1731074). Advanced modeling of protein sequence and biophysical properties (such as structural, functional, and spatial information, amino acid conservation, physicochemical variation, residue mobility, and thermodynamic stability) performed at Invitae indicates that this missense variant is not expected to disrupt CFTR protein function with a negative predictive value of 80%. In summary, the available evidence is currently insufficient to determine the role of this variant in disease. Therefore, it has been classified as a Variant of Uncertain Significance.

Ambry Genetics
Classification: Uncertain significance for Cystic fibrosis. Last evaluated: 2021-08-05. Review status: criteria provided, single submitter. Criteria: Ambry Variant Classification Scheme 2023. Collection method: clinical testing. Allele origin: germline.
Comment: The p.T1134N variant (also known as c.3401C>A), located in coding exon 21 of the CFTR gene, results from a C to A substitution at nucleotide position 3401. The threonine at codon 1134 is replaced by asparagine, an amino acid with similar properties. This amino acid position is conserved. In addition, the in silico prediction for this alteration is inconclusive. Since supporting evidence is limited at this time, the clinical significance of this alteration remains unclear.

NM_000492.4(CFTR):c.3401C>A (p.Thr1134Asn)

Genes: CFTR (CF transmembrane conductance regulator; plus strand), CFTR-AS2 (CFTR antisense RNA 2; minus strand). Cytogenetic location: 7q31.2.
Variant type: single nucleotide variant.
Coding change: c.3401C>A on transcript NM_000492.4 (MANE Select); coding-DNA position 3401, C replaced by A.
Protein change: p.Thr1134Asn; replaces threonine 1134 with asparagine.
Molecular consequence: missense variant.
Genome position (GRCh38, 1-based): chr7:117,614,646, C>A. VCF-style: chr7-117614646-C-A. GRCh37 (hg19) VCF-style: chr7-117254700-C-A.
Other names: short protein forms T1134N.
Identifiers: ClinVar variation 1731074 (VCV001731074.4), dbSNP rs1185498701, ClinGen allele CA368993413.